The following is an entry in ClinVar:

ClinVar aggregate classification (germline): Uncertain significance (1 of 4 stars; one submission).

Conditions:
Joubert syndrome. Also called: CEREBELLOPARENCHYMAL DISORDER IV; JOUBERT-BOLTSHAUSER SYNDROME; Familial aplasia of the vermis. Identifiers: Orphanet 475, MedGen C5979921, MONDO:0018772.

Submission:

Labcorp Genetics (formerly Invitae), Labcorp
Classification: Uncertain significance for Joubert syndrome. Last evaluated: 2022-07-29. Review status: criteria provided, single submitter. Criteria: Invitae Variant Classification Sherloc (09022015). Collection method: clinical testing. Allele origin: germline.
Comment: This sequence change replaces alanine, which is neutral and non-polar, with proline, which is neutral and non-polar, at codon 202 of the INPP5E protein (p.Ala202Pro). This variant is not present in population databases (gnomAD no frequency). This variant has not been reported in the literature in individuals affected with INPP5E-related conditions. Advanced modeling of protein sequence and biophysical properties (such as structural, functional, and spatial information, amino acid conservation, physicochemical variation, residue mobility, and thermodynamic stability) performed at Invitae indicates that this missense variant is not expected to disrupt INPP5E protein function. In summary, the available evidence is currently insufficient to determine the role of this variant in disease. Therefore, it has been classified as a Variant of Uncertain Significance.

NM_019892.6(INPP5E):c.604G>C (p.Ala202Pro)

Gene: INPP5E (inositol polyphosphate-5-phosphatase E; minus strand). Cytogenetic location: 9q34.3.
Variant type: single nucleotide variant.
Coding change: c.604G>C on transcript NM_019892.6 (MANE Select); coding-DNA position 604, G replaced by C.
Protein change: p.Ala202Pro; replaces alanine 202 with proline.
Molecular consequence: missense variant.
Genome position (GRCh38, 1-based): chr9:136,438,816, C>G on the plus strand (G>C on the coding strand, the complement: INPP5E is on the minus strand). VCF-style: chr9-136438816-C-G. GRCh37 (hg19) VCF-style: chr9-139333268-C-G.
Other names: c.604G>C, p.Ala202Pro (NM_001318502.2); short protein forms A202P.
Identifiers: ClinVar variation 1714190 (VCV001714190.6), dbSNP rs1588839537, ClinGen allele CA375568227.
Genomic context (GRCh38, chr9:136,438,816, plus strand): 5'-GGAGCTTGTAGTCTGCAAGATCCGAGTCGACCTTGTTTGCTGTCCTCAGGGAGTCGGAGG[C>G]GATGTCCAGGCTCAGGGCAGGCGGTGGGCGCGGGGGCAGCAGGCTGGGCAGCCTGGGCGA-3'
Protein context (NP_063945.2, residues 192-212): RPPPALSLDI[Ala202Pro]SDSLRTANKV